The following is an entry in ClinVar:

NC_000023.10:g.(32536249_32563275)_(32867938_33038255)dup

Gene: DMD (dystrophin; minus strand). Cytogenetic location: Xp21.1.
Variant type: Duplication.
Identifiers: ClinVar variation 3907335 (VCV003907335.1).

ClinVar aggregate classification (germline): Pathogenic (1 of 4 stars; one submission).

Conditions:
Neuromuscular disease caused by qualitative or quantitative defects of dystrophin. Also called: Qualitative or quantitative defects of dystrophin. Identifiers: Orphanet 207085, MedGen C5679787, MONDO:0016147.

Submission:

Women's Health and Genetics/Laboratory Corporation of America, LabCorp
Classification: Pathogenic for Neuromuscular disease caused by qualitative or quantitative defects of dystrophin. Last evaluated: 2025-06-06. Review status: criteria provided, single submitter. Criteria: LabCorp Variant Classification Summary - May 2015. Collection method: clinical testing. Allele origin: germline.
Comment: Variant summary: The variant involves the duplication of exons 3-17 in the DMD gene. A presumed nomenclature of c.(93+1_94-1)_(2168+1_2169-1)dup has been designated for the purposes of this classification. It is assumed to be a tandem duplication in direct orientation (PMIDs: 25640679, 30054569). This Copy Number Variant (CNV) is expected to alter the reading frame and predicted to result in a truncation or absence of the encoded protein due to nonsense mediated decay (NMD). The variant was absent in 15814 control chromosomes (gnomAD, structural variants dataset). c.(93+1_94-1)_(2168+1_2169-1)dup has been observed in individual(s) affected with Dystrophinopathies, including one reported de novo case (e.g. Mah_2011, Mercier_2013, Connolly_2019, Ren_2021). These data indicate that the variant is likely to be associated with disease. The following publications have been ascertained in the context of this evaluation (PMID: 23299919, 33719023, 30706490, 21515508). ClinVar contains an entry for this variant (Variation ID: 2424963). Based on the evidence outlined above, the variant was classified as pathogenic.

Literature cited by the submitters: PubMed 21515508; PubMed 30706490; PubMed 23299919; PubMed 33719023.